The following is an entry in ClinVar:

ClinVar aggregate classification (germline): Uncertain significance (1 of 4 stars; one submission).

Allele frequency attached by ClinVar (database versions not stated): gnomAD exomes below 0.00001.
gnomAD v4.1: 1 of 1,211,047 alleles (0.000083%); highest among the groups gnomAD compares: East Asian, 0.003%; no homozygotes.

Submission:

GeneDx
Classification: Uncertain significance. Last evaluated: 2017-02-21. Review status: criteria provided, single submitter. Criteria: GeneDx Variant Classification (06012015). Collection method: clinical testing. Allele origin: germline. Affected: yes.
Comment: The c.1633 A>G variant in the BRWD3 gene has not been reported previously as a pathogenic variant, nor as a benign variant, to our knowledge. The c.1633 A>G variant is not observed in large population cohorts (Lek et al., 2016; 1000 Genomes Consortium et al., 2015; Exome Variant Server). In-silico splice prediction models predict that c.1633 A>G may create a cryptic splice donor site in exon 16. However, in the absence of RNA/functional studies, the actual effect of the c.1633 A>G change in this individual is unknown. If c.1633 A>G does not alter splicing, it will result in the S545G missense change. The S545G variant is a non-conservative amino acid substitution, which is likely to impact secondary protein structure as these residues differ in polarity, charge, size and/or other properties. This substitution occurs at a position where amino acids with similar properties to Serine are tolerated across species. In silico analysis predicts this variant is probably damaging to the protein structure/function. Therefore, we interpret c.1633 A>G as a variant of uncertain significance.

NM_153252.5(BRWD3):c.1633A>G (p.Ser545Gly)

Gene: BRWD3 (bromodomain and WD repeat domain containing 3; minus strand). Cytogenetic location: Xq21.1.
Variant type: single nucleotide variant.
Coding change: c.1633A>G on transcript NM_153252.5 (MANE Select); coding-DNA position 1633, A replaced by G.
Protein change: p.Ser545Gly; replaces serine 545 with glycine.
Molecular consequence: missense variant.
Genome position (GRCh38, 1-based): chrX:80,723,765, T>C on the plus strand (A>G on the coding strand, the complement: BRWD3 is on the minus strand). VCF-style: chrX-80723765-T-C. GRCh37 (hg19) VCF-style: chrX-79979264-T-C.
Other names: short protein forms S545G.
Identifiers: ClinVar variation 423580 (VCV000423580.2), dbSNP rs1064796506, ClinGen allele CA16621513.
Genomic context (GRCh38, chrX:80,723,765, plus strand): 5'-CAATCCTAAATTATACTCTACAGCAAAATTTAAATATGCTAACCTTTTCGTAGTATTTAC[T>C]GCATCCAAAACCAAAAAGCAGCAAATGTCCATGAGAATCTGTGCAGGCAAAATGGTTTCC-3'
Protein context (NP_694984.5, residues 535-555): GHLLLFGFGC[Ser545Gly]KYYEKIPDQM